The following is an entry in ClinVar:

ClinVar aggregate classification (germline): Conflicting classifications of pathogenicity. Review status: criteria provided, conflicting classifications (1 of 4 stars). 3 submissions from 3 submitters: Uncertain significance (2); Likely benign (1). Last evaluated 2026-01-24.

Conditions:
Inborn genetic diseases. Identifiers: MedGen C0950123, MeSH D030342.
Neuronal ceroid lipofuscinosis. Also called: Neuronal Ceroid Lipofuscinoses. Identifiers: Orphanet 216, Orphanet 79263, MedGen C0027877, MONDO:0016295. Disease mechanism: loss of function.

Allele frequency attached by ClinVar (database versions not stated): gnomAD exomes 0.00010 and 0.00020; gnomAD 0.00011 and 0.00012; TOPMed 0.00017; ExAC 0.00018; ESP Exome Variant Server 0.00031.
gnomAD v4.1: 177 of 1,612,900 alleles (0.011%); highest among the groups gnomAD compares: Non-Finnish European, 0.002%; 1 homozygote.

Submissions (3):

Labcorp Genetics (formerly Invitae), Labcorp
Classification: Likely benign for Neuronal ceroid lipofuscinosis. Last evaluated: 2026-01-24. Review status: criteria provided, single submitter. Criteria: Invitae Variant Classification Sherloc (09022015). Collection method: clinical testing. Allele origin: germline.

GeneDx
Classification: Uncertain significance. Last evaluated: 2023-11-11. Review status: criteria provided, single submitter. Criteria: GeneDx Variant Classification Process June 2021. Collection method: clinical testing. Allele origin: germline. Affected: yes.
Comment: In silico analysis, which includes protein predictors and evolutionary conservation, supports a deleterious effect; Has not been previously published as pathogenic or benign to our knowledge

Ambry Genetics
Classification: Uncertain significance for Inborn genetic diseases. Last evaluated: 2019-01-28. Review status: criteria provided, single submitter. Criteria: Ambry Variant Classification Scheme 2023. Collection method: clinical testing. Allele origin: germline.
Comment: The p.N401S variant (also known as c.1202A>G), located in coding exon 9 of the CTSD gene, results from an A to G substitution at nucleotide position 1202. The asparagine at codon 401 is replaced by serine, an amino acid with highly similar properties. This amino acid position is not well conserved in available vertebrate species. In addition, this alteration is predicted to be tolerated by in silico analysis. Since supporting evidence is limited at this time, the clinical significance of this alteration remains unclear.

NM_001909.5(CTSD):c.1202A>G (p.Asn401Ser)

Gene: CTSD (cathepsin D; minus strand). Cytogenetic location: 11p15.5.
Variant type: single nucleotide variant.
Coding change: c.1202A>G on transcript NM_001909.5 (MANE Select); coding-DNA position 1202, A replaced by G.
Protein change: p.Asn401Ser; replaces asparagine 401 with serine.
Molecular consequence: missense variant.
Genome position (GRCh38, 1-based): chr11:1,753,540, T>C on the plus strand (A>G on the coding strand, the complement: CTSD is on the minus strand). VCF-style: chr11-1753540-T-C. GRCh37 (hg19) VCF-style: chr11-1774770-T-C.
Other names: p.N401S:AAC>AGC; short protein forms N401S.
Identifiers: ClinVar variation 205346 (VCV000205346.14), dbSNP rs147553344, ClinGen allele CA314334.